The following is an entry in ClinVar:

NM_003922.4(HERC1):c.7157G>A (p.Arg2386Gln)

Gene: HERC1 (HECT and RLD domain containing E3 ubiquitin protein ligase family member 1; minus strand). Cytogenetic location: 15q22.31.
Variant type: single nucleotide variant.
Coding change: c.7157G>A on transcript NM_003922.4 (MANE Select); coding-DNA position 7157, G replaced by A.
Protein change: p.Arg2386Gln; replaces arginine 2386 with glutamine.
Molecular consequence: missense variant.
Genome position (GRCh38, 1-based): chr15:63,675,031, C>T on the plus strand (G>A on the coding strand, the complement: HERC1 is on the minus strand). VCF-style: chr15-63675031-C-T. GRCh37 (hg19) VCF-style: chr15-63967230-C-T.
Other names: short protein forms R2386Q.
Identifiers: ClinVar variation 1912170 (VCV001912170.5), dbSNP rs564349063, ClinGen allele CA7605199.

ClinVar aggregate classification (germline): Uncertain significance. Review status: criteria provided, multiple submitters, no conflicts (2 of 4 stars). 3 submissions from 3 submitters: Uncertain significance (3). Last evaluated 2024-01-26.

Conditions:
Inborn genetic diseases. Identifiers: MedGen C0950123, MeSH D030342.

Allele frequency attached by ClinVar (database versions not stated): gnomAD exomes 0.00001; ExAC 0.00002; gnomAD 0.00003; TOPMed 0.00004; 1000 Genomes Project 0.00020; 1000 Genomes Project 30x 0.00031.
gnomAD v4.1: 16 of 1,613,946 alleles (0.00099%); highest among the groups gnomAD compares: Admixed American, 0.018%; no homozygotes.

Submissions (3):

GeneDx
Classification: Uncertain significance. Last evaluated: 2024-01-26. Review status: criteria provided, single submitter. Criteria: GeneDx Variant Classification Process June 2021. Collection method: clinical testing. Allele origin: germline. Affected: yes.
Comment: Not observed at significant frequency in large population cohorts (gnomAD); In silico analysis supports that this missense variant does not alter protein structure/function; Has not been previously published as pathogenic or benign to our knowledge

Labcorp Genetics (formerly Invitae), Labcorp
Classification: Uncertain significance. Last evaluated: 2022-02-17. Review status: criteria provided, single submitter. Criteria: Invitae Variant Classification Sherloc (09022015). Collection method: clinical testing. Allele origin: germline.
Comment: This variant is present in population databases (rs564349063, gnomAD 0.009%). In summary, the available evidence is currently insufficient to determine the role of this variant in disease. Therefore, it has been classified as a Variant of Uncertain Significance. Algorithms developed to predict the effect of sequence changes on RNA splicing suggest that this variant is not likely to affect RNA splicing. Algorithms developed to predict the effect of missense changes on protein structure and function (SIFT, PolyPhen-2, Align-GVGD) all suggest that this variant is likely to be disruptive. This variant has not been reported in the literature in individuals affected with HERC1-related conditions. This sequence change replaces arginine, which is basic and polar, with glutamine, which is neutral and polar, at codon 2386 of the HERC1 protein (p.Arg2386Gln).

Ambry Genetics
Classification: Uncertain significance for Inborn genetic diseases. Last evaluated: 2021-06-29. Review status: criteria provided, single submitter. Criteria: Ambry Variant Classification Scheme 2023. Collection method: clinical testing. Allele origin: germline.